The following is an entry in ClinVar:

ClinVar aggregate classification (germline): Uncertain significance (1 of 4 stars; one submission).

Conditions:
Inborn genetic diseases. Identifiers: MedGen C0950123, MeSH D030342.

Allele frequency attached by ClinVar (database versions not stated): gnomAD exomes below 0.00001.
gnomAD v4.1: 1 of 1,535,754 alleles (0.000065%); highest among the groups gnomAD compares: Non-Finnish European, 0.000087%; no homozygotes.

Submission:

Ambry Genetics
Classification: Uncertain significance for Inborn genetic diseases. Last evaluated: 2022-02-05. Review status: criteria provided, single submitter. Criteria: Ambry Variant Classification Scheme 2023. Collection method: clinical testing. Allele origin: germline.
Comment: The p.S18R variant (also known as c.52A>C), located in coding exon 1 of the MDH2 gene, results from an A to C substitution at nucleotide position 52. The serine at codon 18 is replaced by arginine, an amino acid with dissimilar properties. This amino acid position is conserved. In addition, this alteration is predicted to be tolerated by in silico analysis. Since supporting evidence is limited at this time, the clinical significance of this alteration remains unclear.

NM_005918.4(MDH2):c.52A>C (p.Ser18Arg)

Gene: MDH2 (malate dehydrogenase 2; plus strand). Cytogenetic location: 7q11.23.
Variant type: single nucleotide variant.
Coding change: c.52A>C on transcript NM_005918.4 (MANE Select); coding-DNA position 52, A replaced by C.
Protein change: p.Ser18Arg; replaces serine 18 with arginine.
Molecular consequence: missense variant. On other transcripts: 5 prime UTR variant (1), non-coding transcript variant (1).
Genome position (GRCh38, 1-based): chr7:76,048,212, A>C. VCF-style: chr7-76048212-A-C. GRCh37 (hg19) VCF-style: chr7-75677530-A-C.
Other names: c.52A>C, p.Ser18Arg (NM_001282403.2); c.-101A>C (NM_001282404.2); short protein forms S18R.
Identifiers: ClinVar variation 1746681 (VCV001746681.2), dbSNP rs2535833526, ClinGen allele CA367760136.